The following is an entry in ClinVar:

ClinVar aggregate classification (germline): Uncertain significance (1 of 4 stars; one submission).

Conditions:
Hereditary spastic paraplegia 11. Also called: Spastic Paraplegia 11; SPASTIC PARAPLEGIA, AUTOSOMAL RECESSIVE, COMPLICATED, WITH THIN CORPUS CALLOSUM; SPASTIC PARAPLEGIA, AUTOSOMAL RECESSIVE, WITH MENTAL IMPAIRMENT AND THIN CORPUS CALLOSUM; Nakamura Osame syndrome; Autosomal recessive hereditary spastic paraplegia, mental impairment, and thin corpus callosum; Spastic paraplegia, mental retardation and thin corpus callosum. Identifiers: Orphanet 2822, MedGen C1858479, MONDO:0011445, OMIM 604360.

Allele frequency attached by ClinVar (database versions not stated): TOPMed 0.00001.
gnomAD v4.1: 1 of 1,614,096 alleles (0.000062%); highest among the groups gnomAD compares: African/African-American, 0.0013%; no homozygotes.

Submission:

Labcorp Genetics (formerly Invitae), Labcorp
Classification: Uncertain significance for Hereditary spastic paraplegia 11. Last evaluated: 2021-08-24. Review status: criteria provided, single submitter. Criteria: Invitae Variant Classification Sherloc (09022015). Collection method: clinical testing. Allele origin: germline.
Comment: This sequence change replaces isoleucine with threonine at codon 1221 of the SPG11 protein (p.Ile1221Thr). The isoleucine residue is weakly conserved and there is a moderate physicochemical difference between isoleucine and threonine. This variant is not present in population databases (ExAC no frequency). This variant has not been reported in the literature in individuals affected with SPG11-related conditions. Algorithms developed to predict the effect of missense changes on protein structure and function output the following: SIFT: "Tolerated"; PolyPhen-2: "Benign"; Align-GVGD: "Class C0". The threonine amino acid residue is found in multiple mammalian species, which suggests that this missense change does not adversely affect protein function. In summary, the available evidence is currently insufficient to determine the role of this variant in disease. Therefore, it has been classified as a Variant of Uncertain Significance.

NM_025137.4(SPG11):c.3662T>C (p.Ile1221Thr)

Gene: SPG11 (SPG11 vesicle trafficking associated, spatacsin; minus strand). Cytogenetic location: 15q21.1.
Variant type: single nucleotide variant.
Coding change: c.3662T>C on transcript NM_025137.4 (MANE Select); coding-DNA position 3662, T replaced by C.
Protein change: p.Ile1221Thr; replaces isoleucine 1221 with threonine.
Molecular consequence: missense variant.
Genome position (GRCh38, 1-based): chr15:44,600,491, A>G on the plus strand (T>C on the coding strand, the complement: SPG11 is on the minus strand). VCF-style: chr15-44600491-A-G. GRCh37 (hg19) VCF-style: chr15-44892689-A-G.
Other names: c.3662T>C, p.Ile1221Thr (NM_001160227.2); short protein forms I1221T.
Identifiers: ClinVar variation 1005686 (VCV001005686.6), dbSNP rs756274932, ClinGen allele CA270093471.